The following is an entry in ClinVar:

NM_016252.4(BIRC6):c.782dup (p.Tyr261Ter)

Gene: BIRC6 (baculoviral IAP repeat containing 6; plus strand). Cytogenetic location: 2p22.3.
Variant type: Duplication.
Coding change: c.782dup on transcript NM_016252.4 (MANE Select); coding-DNA position 782, one base duplicated (A; older notation c.782dupA).
Protein change: p.Tyr261Ter; replaces tyrosine 261 with a stop codon.
Molecular consequence: nonsense.
Genome position (GRCh38, 1-based): chr2:32,388,886, A duplicated. VCF-style (leftmost placement, unchanged base first): chr2-32388885-T-TA. GRCh37 (hg19) VCF-style: chr2-32613953-T-TA.
Other names: c.698dup, p.Tyr233Ter (NM_001378125.1); short protein forms Y233*, Y261*.
Identifiers: ClinVar variation 4883883 (VCV004883883.2).

ClinVar aggregate classification (germline): Uncertain significance (1 of 4 stars; one submission).

Submission:

Dasa
Classification: Uncertain significance. Last evaluated: 2025-07-28. Review status: criteria provided, single submitter. Criteria: DASA Assertion Criteria. Collection method: clinical testing. Allele origin: germline.
Comment: NM_016252.4(BIRC6):c.782dup (p.Tyr261*) is a frameshift variant in BIRC6 predicted to alter the reading frame and introduce a premature termination codon. This variant is absent from population databases. The currently available literature and clinical evidence are not sufficient to establish a definitive association between this variant and the reported condition. Therefore, this variant is classified as a variant of uncertain significance.